The following is an entry in ClinVar:

ClinVar aggregate classification (germline): Pathogenic. Review status: criteria provided, multiple submitters, no conflicts (2 of 4 stars). 3 submissions from 3 submitters: Pathogenic (3). Last evaluated 2025-04-30.

Conditions:
CHARGE syndrome (CHARGE). Also called: Hittner Hirsch Kreh syndrome; Coloboma, heart anomaly, choanal atresia, retardation, genital and ear anomalies; CHARGE association; Hall-Hittner syndrome; CHARGE ASSOCIATION--COLOBOMA, HEART ANOMALY, CHOANAL ATRESIA, RETARDATION, GENITAL AND EAR ANOMALIES. Identifiers: Orphanet 138, MedGen C0265354, MONDO:0008965.
CHD7-related CHARGE syndrome. Identifiers: MedGen CN380413, MONDO:1010178, OMIM 214800.

Submissions (3):

3billion
Classification: Pathogenic for CHD7-related CHARGE syndrome. Last evaluated: 2025-04-30. Review status: criteria provided, single submitter. Criteria: ACMG Guidelines, 2015. Collection method: clinical testing. Allele origin: germline. Affected: yes.
Comment: The variant is observed at an extremely low frequency in the gnomAD v4.1.0 dataset (total allele frequency: <0.001%). Predicted Consequence/Location: Frameshift: predicted to result in a loss or disruption of normal protein function through nonsense-mediated decay (NMD) or protein truncation. Multiple pathogenic variants are reported downstream of the variant. The variant has been reported to be associated with CHD7-related disorder (ClinVar ID: VCV000529122 / PMID: 21158681). Therefore, this variant is classified as Pathogenic according to the recommendation of ACMG/AMP guideline.

Labcorp Genetics (formerly Invitae), Labcorp
Classification: Pathogenic for CHARGE syndrome. Last evaluated: 2017-10-22. Review status: criteria provided, single submitter. Criteria: Invitae Variant Classification Sherloc (09022015). Collection method: clinical testing. Allele origin: germline.
Comment: For these reasons, this variant has been classified as Pathogenic. Loss-of-function variants in CHD7 are known to be pathogenic (PMID: 22461308, 25077900). This variant has been reported in an individual affected with CHARGE syndrome (PMID: 21158681). This variant is not present in population databases (ExAC no frequency). This sequence change creates a premature translational stop signal (p.Lys642Argfs*69) in the CHD7 gene. It is expected to result in an absent or disrupted protein product.

Juno Genomics, Hangzhou Juno Genomics, Inc
Classification: Pathogenic for CHD7-related CHARGE syndrome. Review status: criteria provided, single submitter. Criteria: ACMG Guidelines, 2015. Collection method: clinical testing. Allele origin: germline. Affected: yes.
Comment: Absent from controls (or at extremely low frequency if recessive) in Genome Aggregation Database.;De novo (both maternity and paternity confirmed) in a patient with the disease and no family history.;Null variant in a gene where loss of function (LOF) is a known mechanism of disease.

Literature cited by the submitters: PubMed 21158681 (cited by 3billion and Labcorp Genetics (formerly Invitae), Labcorp); PubMed 22461308 (cited by Labcorp Genetics (formerly Invitae), Labcorp); PubMed 25077900 (cited by Labcorp Genetics (formerly Invitae), Labcorp).

NM_017780.4(CHD7):c.1925del (p.Lys642fs)

Genes: CHD7 (chromodomain helicase DNA binding protein 7; plus strand), LOC126860403 (CDK7 strongly-dependent group 2 enhancer GRCh37_chr8:61693034-61694233; plus strand). Cytogenetic location: 8q12.2.
Variant type: Deletion.
Coding change: c.1925del on transcript NM_017780.4 (MANE Select); coding-DNA position 1925, one base deleted (A; older notation c.1925delA).
Protein change: p.Lys642fs; shifts the reading frame from lysine 642.
Molecular consequence: frameshift variant. On other transcripts: intron variant (1).
Genome position (GRCh38, 1-based): chr8:60,781,259, A deleted; the last of 7 consecutive A bases (chr8:60,781,253-60,781,259); deleting any one gives the same sequence. VCF-style (leftmost placement, unchanged base first): chr8-60781252-GA-G. GRCh37 (hg19) VCF-style: chr8-61693811-GA-G.
Other names: c.1716+209del (NM_001316690.1); short protein forms K642fs.
Identifiers: ClinVar variation 529122 (VCV000529122.11), dbSNP rs1554588712, ClinGen allele CA658795349.
Genomic context (GRCh38, chr8:60,781,252, plus strand): 5'-TTCCCTGGTGGGGTAGATAACCAAGAACTAAATAGGAACTCACTGGATGGGTCCCAAGAA[GA>G]AAAAAAGAAAAAGAAAAGGTCAAAGGCAAAAAAAGACCCGAAGGAACCGAAAGAACCCAA-3'